The following is an entry in ClinVar:

ClinVar aggregate classification (germline): Uncertain significance (1 of 4 stars; one submission).

Conditions:
Cornelia de Lange syndrome 4 (CDLS4). Also called: CORNELIA DE LANGE SYNDROME 4 WITH OR WITHOUT MIDLINE BRAIN DEFECTS; RAD21-Related Cornelia de Lange Syndrome. Identifiers: Orphanet 199, MedGen C3553517, MONDO:0013864, OMIM 614701.

Allele frequency attached by ClinVar (database versions not stated): TOPMed below 0.00001; gnomAD 0.00001; gnomAD exomes 0.00001; ExAC 0.00002.
gnomAD v4.1: 14 of 1,601,596 alleles (0.00087%); highest among the groups gnomAD compares: Non-Finnish European, 0.0011%; no homozygotes.

Submission:

Labcorp Genetics (formerly Invitae), Labcorp
Classification: Uncertain significance for Cornelia de Lange syndrome 4. Last evaluated: 2026-01-28. Review status: criteria provided, single submitter. Criteria: Invitae Variant Classification Sherloc (09022015). Collection method: clinical testing. Allele origin: germline.
Comment: This sequence change replaces leucine, which is neutral and non-polar, with phenylalanine, which is neutral and non-polar, at codon 229 of the RAD21 protein (p.Leu229Phe). This variant is present in population databases (rs774987531, gnomAD 0.002%). This variant has not been reported in the literature in individuals affected with RAD21-related conditions. ClinVar contains an entry for this variant (Variation ID: 1399233). Invitae Evidence Modeling of protein sequence and biophysical properties (such as structural, functional, and spatial information, amino acid conservation, physicochemical variation, residue mobility, and thermodynamic stability) indicates that this missense variant is not expected to disrupt RAD21 protein function with a negative predictive value of 95%. In summary, the available evidence is currently insufficient to determine the role of this variant in disease. Therefore, it has been classified as a Variant of Uncertain Significance.

NM_006265.3(RAD21):c.687A>C (p.Leu229Phe)

Gene: RAD21 (RAD21 cohesin complex component; minus strand). Cytogenetic location: 8q24.11.
Variant type: single nucleotide variant.
Coding change: c.687A>C on transcript NM_006265.3 (MANE Select); coding-DNA position 687, A replaced by C.
Protein change: p.Leu229Phe; replaces leucine 229 with phenylalanine.
Molecular consequence: missense variant.
Genome position (GRCh38, 1-based): chr8:116,857,268, T>G on the plus strand (A>C on the coding strand, the complement: RAD21 is on the minus strand). VCF-style: chr8-116857268-T-G. GRCh37 (hg19) VCF-style: chr8-117869507-T-G.
Other names: short protein forms L229F.
Identifiers: ClinVar variation 1399233 (VCV001399233.8), dbSNP rs774987531, ClinGen allele CA4853034.